The following is an entry in ClinVar:

NM_024537.4(CARS2):c.527T>C (p.Ile176Thr)

Gene: CARS2 (cysteinyl-tRNA synthetase 2, mitochondrial; minus strand). Cytogenetic location: 13q34.
Variant type: single nucleotide variant.
Coding change: c.527T>C on transcript NM_024537.4 (MANE Select); coding-DNA position 527, T replaced by C.
Protein change: p.Ile176Thr; replaces isoleucine 176 with threonine.
Molecular consequence: missense variant. On other transcripts: 5 prime UTR variant (1), non-coding transcript variant (2).
Genome position (GRCh38, 1-based): chr13:110,687,765, A>G on the plus strand (T>C on the coding strand, the complement: CARS2 is on the minus strand). VCF-style: chr13-110687765-A-G. GRCh37 (hg19) VCF-style: chr13-111340112-A-G.
Other names: c.-473T>C (NM_001352252.2); c.527T>C, p.Ile176Thr (NM_001352253.3); c.527T>C (NM_024537.2); short protein forms I176T.
Identifiers: ClinVar variation 1040214 (VCV001040214.6), dbSNP rs767243208, ClinGen allele CA388738204.
Genomic context (GRCh38, chr13:110,687,765, plus strand): 5'-AGAACATAAACCCTACCTTTTGCCGTTGAATAAGCGTTCCCACGAGCAATGATTCCTTCA[A>G]TGAAAGAAATTATCTGAGGAATATTTTCGGTTACCCTCAGGTACACCGTGGGTGGGAGAA-3'
Protein context (NP_078813.1, residues 166-186): TENIPQIISF[Ile176Thr]EGIIARGNAY

ClinVar aggregate classification (germline): Uncertain significance. Review status: criteria provided, multiple submitters, no conflicts (2 of 4 stars). 2 submissions from 2 submitters: Uncertain significance (2). Last evaluated 2023-12-14.

Conditions:
Inborn genetic diseases. Identifiers: MedGen C0950123, MeSH D030342.
Combined oxidative phosphorylation defect type 27. Also called: Combined oxidative phosphorylation deficiency 27. Identifiers: Orphanet 477774, MedGen C5567608, MONDO:0014728, OMIM 616672.

Allele frequency attached by ClinVar (database versions not stated): gnomAD 0.00001; TOPMed 0.00001.
gnomAD v4.1: 5 of 1,613,422 alleles (0.00031%); highest among the groups gnomAD compares: East Asian, 0.011%; no homozygotes.

Submissions (2):

Ambry Genetics
Classification: Uncertain significance for Inborn genetic diseases. Last evaluated: 2023-12-14. Review status: criteria provided, single submitter. Criteria: Ambry Variant Classification Scheme 2023. Collection method: clinical testing. Allele origin: germline.

Labcorp Genetics (formerly Invitae), Labcorp
Classification: Uncertain significance for Combined oxidative phosphorylation defect type 27. Last evaluated: 2021-08-27. Review status: criteria provided, single submitter. Criteria: Invitae Variant Classification Sherloc (09022015). Collection method: clinical testing. Allele origin: germline.
Comment: This sequence change replaces isoleucine with threonine at codon 176 of the CARS2 protein (p.Ile176Thr). The isoleucine residue is highly conserved and there is a moderate physicochemical difference between isoleucine and threonine. This variant is not present in population databases (ExAC no frequency). This variant has not been reported in the literature in individuals affected with CARS2-related conditions. Algorithms developed to predict the effect of missense changes on protein structure and function (SIFT, PolyPhen-2, Align-GVGD) all suggest that this variant is likely to be disruptive. In summary, the available evidence is currently insufficient to determine the role of this variant in disease. Therefore, it has been classified as a Variant of Uncertain Significance.